The following is an entry in ClinVar:

NM_005228.5(EGFR):c.976T>A (p.Cys326Ser)

Gene: EGFR (epidermal growth factor receptor; plus strand). Cytogenetic location: 7p11.2.
Variant type: single nucleotide variant.
Coding change: c.976T>A on transcript NM_005228.5 (MANE Select); coding-DNA position 976, T replaced by A.
Protein change: p.Cys326Ser; replaces cysteine 326 with serine.
Molecular consequence: missense variant.
Genome position (GRCh38, 1-based): chr7:55,155,916, T>A. VCF-style: chr7-55155916-T-A. GRCh37 (hg19) VCF-style: chr7-55223609-T-A.
Other names: c.841T>A, p.Cys281Ser (NM_001346897.2, NM_001346899.2); c.976T>A, p.Cys326Ser (NM_001346898.2, NM_201282.2, NM_201283.2 and 1 more transcripts); c.817T>A, p.Cys273Ser (NM_001346900.2); c.175T>A, p.Cys59Ser (NM_001346941.2); short protein forms C273S, C281S, C326S, C59S.
Identifiers: ClinVar variation 3236362 (VCV003236362.1), dbSNP rs2128937542, ClinGen allele CA367578101.

ClinVar aggregate classification (germline): Uncertain significance (1 of 4 stars; one submission).

Conditions:
Inflammatory skin and bowel disease, neonatal, 2 (NNCIS). Identifiers: Orphanet 294023, MedGen C4015130, MONDO:0014481, OMIM 616069.

Submission:

MVZ Medizinische Genetik Mainz
Classification: Uncertain significance for Inflammatory skin and bowel disease, neonatal, 2. Last evaluated: 2024-02-09. Review status: criteria provided, single submitter. Criteria: UK Practice Guidelines For Variant Classification V4 01 2020. Collection method: clinical testing. Allele origin: germline. Inheritance: Autosomal recessive inheritance. Affected: yes. Observed: 1 variant allele.
Comment: ACMG Criteria: PM2_sup, PP3_str